The following is an entry in ClinVar:

NM_001372051.1(CASP8):c.26A>G (p.Asp9Gly)

Gene: CASP8 (caspase 8; plus strand). Cytogenetic location: 2q33.1.
Variant type: single nucleotide variant.
Coding change: c.26A>G on transcript NM_001372051.1 (MANE Select); coding-DNA position 26, A replaced by G.
Protein change: p.Asp9Gly; replaces aspartic acid 9 with glycine.
Molecular consequence: missense variant. On other transcripts: 5 prime UTR variant (9), non-coding transcript variant (22), intron variant (3).
Genome position (GRCh38, 1-based): chr2:201,266,512, A>G. VCF-style: chr2-201266512-A-G. GRCh37 (hg19) VCF-style: chr2-202131235-A-G.
Other names: c.26A>G, p.Asp9Gly (NM_001080124.2, NM_001228.5, NM_001400645.1 and 21 more transcripts); c.203A>G, p.Asp68Gly (NM_001080125.2, NM_001400642.1, NM_001400665.1); c.-507A>G (NM_001400671.1, NM_001400673.1, NM_001400676.1 and 4 more transcripts); c.-688A>G (NM_001400674.1); c.-586A>G (NM_001400680.1); c.-4-5004A>G (NM_001400669.1); c.-227-5004A>G (NM_001400672.1, NM_001400675.1); short protein forms D9G, D68G.
Identifiers: ClinVar variation 1433617 (VCV001433617.6), dbSNP rs1270676492, ClinGen allele CA350281189.

ClinVar aggregate classification (germline): Uncertain significance (1 of 4 stars; one submission).

Conditions:
Autoimmune lymphoproliferative syndrome type 2B. Also called: AUTOIMMUNE LYMPHOPROLIFERATIVE SYNDROME, TYPE IIB. Identifiers: Orphanet 275517, MedGen C1846545, MONDO:0011804, OMIM 607271.

Allele frequency attached by ClinVar (database versions not stated): gnomAD exomes below 0.00001.
gnomAD v4.1: 3 of 1,614,136 alleles (0.00019%); highest among the groups gnomAD compares: Middle Eastern, 0.033%; no homozygotes.

Submission:

Labcorp Genetics (formerly Invitae), Labcorp
Classification: Uncertain significance for Autoimmune lymphoproliferative syndrome type 2B. Last evaluated: 2025-02-28. Review status: criteria provided, single submitter. Criteria: Invitae Variant Classification Sherloc (09022015). Collection method: clinical testing. Allele origin: germline.
Comment: This sequence change replaces aspartic acid, which is acidic and polar, with glycine, which is neutral and non-polar, at codon 9 of the CASP8 protein (p.Asp9Gly). This variant is present in population databases (no rsID available, gnomAD 0.0009%). This variant has not been reported in the literature in individuals affected with CASP8-related conditions. ClinVar contains an entry for this variant (Variation ID: 1433617). An algorithm developed to predict the effect of missense changes on protein structure and function (PolyPhen-2) suggests that this variant is likely to be tolerated. In summary, the available evidence is currently insufficient to determine the role of this variant in disease. Therefore, it has been classified as a Variant of Uncertain Significance.